The following is an entry in ClinVar:

NM_012254.3(SLC27A5):c.374G>A (p.Arg125Gln)

Gene: SLC27A5 (solute carrier family 27 member 5; minus strand). Cytogenetic location: 19q13.43.
Variant type: single nucleotide variant.
Coding change: c.374G>A on transcript NM_012254.3 (MANE Select); coding-DNA position 374, G replaced by A.
Protein change: p.Arg125Gln; replaces arginine 125 with glutamine.
Molecular consequence: missense variant.
Genome position (GRCh38, 1-based): chr19:58,511,582, C>T on the plus strand (G>A on the coding strand, the complement: SLC27A5 is on the minus strand). VCF-style: chr19-58511582-C-T. GRCh37 (hg19) VCF-style: chr19-59022949-C-T.
Other names: c.374G>A, p.Arg125Gln (NM_001321196.2); c.374G>A (NM_012254.2); short protein forms R125Q.
Identifiers: ClinVar variation 4778714 (VCV004778714.2).

ClinVar aggregate classification (germline): Uncertain significance. Review status: criteria provided, multiple submitters, no conflicts (2 of 4 stars). 2 submissions from 2 submitters: Uncertain significance (2). Last evaluated 2026-04-20.

Conditions:
SLC27A5-related disorder. Also called: SLC27A5-related condition.

gnomAD v4.1: 26 of 1,571,024 alleles (0.0017%); highest among the groups gnomAD compares: Middle Eastern, 0.017%; no homozygotes.

Submissions (2):

PreventionGenetics, part of Exact Sciences
Classification: Uncertain significance for SLC27A5-related condition. Last evaluated: 2026-04-20. Review status: criteria provided, single submitter. Criteria: ACMG Guidelines, 2015. Collection method: clinical testing. Allele origin: germline.
Comment: The SLC27A5 c.374G>A variant is predicted to result in the amino acid substitution p.Arg125Gln. To our knowledge, this variant has not been reported in the literature. This variant is reported in 0.0068% of alleles in individuals of Latino descent in gnomAD. At this time, the clinical significance of this variant is uncertain due to the absence of conclusive functional and genetic evidence.

Labcorp Genetics (formerly Invitae), Labcorp
Classification: Uncertain significance. Last evaluated: 2025-12-19. Review status: criteria provided, single submitter. Criteria: Invitae Variant Classification Sherloc (09022015). Collection method: clinical testing. Allele origin: germline.
Comment: This sequence change replaces arginine, which is basic and polar, with glutamine, which is neutral and polar, at codon 125 of the SLC27A5 protein (p.Arg125Gln). The frequency data for this variant in the population databases is considered unreliable, as metrics indicate poor data quality at this position in the gnomAD database. This variant has not been reported in the literature in individuals affected with SLC27A5-related conditions. An algorithm developed to predict the effect of missense changes on protein structure and function outputs the following: PolyPhen-2: "Benign". The glutamine amino acid residue is found in multiple mammalian species, which suggests that this missense change does not adversely affect protein function. In summary, the available evidence is currently insufficient to determine the role of this variant in disease. Therefore, it has been classified as a Variant of Uncertain Significance.